The following is an entry in ClinVar:

ClinVar aggregate classification (germline): Uncertain significance (1 of 4 stars; one submission).

Conditions:
Familial adenomatous polyposis 1 (FAP1). Also called: POLYPOSIS, ADENOMATOUS INTESTINAL; FAMILIAL ADENOMATOUS POLYPOSIS 1, ATTENUATED. Identifiers: MedGen C2713442, MONDO:0021056, OMIM 175100. Disease mechanism: loss of function.

Submission:

Labcorp Genetics (formerly Invitae), Labcorp
Classification: Uncertain significance for Familial adenomatous polyposis 1. Last evaluated: 2023-11-01. Review status: criteria provided, single submitter. Criteria: Invitae Variant Classification Sherloc (09022015). Collection method: clinical testing. Allele origin: germline.
Comment: This sequence change replaces serine, which is neutral and polar, with tyrosine, which is neutral and polar, at codon 2607 of the APC protein (p.Ser2607Tyr). This variant is not present in population databases (gnomAD no frequency). This variant has not been reported in the literature in individuals affected with APC-related conditions. Advanced modeling of protein sequence and biophysical properties (such as structural, functional, and spatial information, amino acid conservation, physicochemical variation, residue mobility, and thermodynamic stability) performed at Invitae indicates that this missense variant is not expected to disrupt APC protein function with a negative predictive value of 95%. In summary, the available evidence is currently insufficient to determine the role of this variant in disease. Therefore, it has been classified as a Variant of Uncertain Significance.

NM_000038.6(APC):c.7820C>A (p.Ser2607Tyr)

Gene: APC (APC regulator of Wnt signaling pathway; plus strand). Cytogenetic location: 5q22.2.
Variant type: single nucleotide variant.
Coding change: c.7820C>A on transcript NM_000038.6 (MANE Select); coding-DNA position 7820, C replaced by A.
Protein change: p.Ser2607Tyr; replaces serine 2607 with tyrosine.
Molecular consequence: missense variant. On other transcripts: non-coding transcript variant (2).
Genome position (GRCh38, 1-based): chr5:112,843,414, C>A. VCF-style: chr5-112843414-C-A. GRCh37 (hg19) VCF-style: chr5-112179111-C-A.
Other names: c.7820C>A, p.Ser2607Tyr (NM_001127510.3, NM_001354895.2, NM_001407450.1); c.7766C>A, p.Ser2589Tyr (NM_001127511.3); c.7874C>A, p.Ser2625Tyr (NM_001354896.2, NM_001407447.1, NM_001407448.1 and 1 more transcripts); c.7850C>A, p.Ser2617Tyr (NM_001354897.2); c.7745C>A, p.Ser2582Tyr (NM_001354898.2); c.7736C>A, p.Ser2579Tyr (NM_001354899.2); c.7697C>A, p.Ser2566Tyr (NM_001354900.2); c.7643C>A, p.Ser2548Tyr (NM_001354901.2, NM_001407453.1); and 11 more; short protein forms S2324Y, S2478Y, S2506Y, S2524Y, S2625Y, S2481Y, S2579Y, S2589Y.
Identifiers: ClinVar variation 2773166 (VCV002773166.3), dbSNP rs2533821989, ClinGen allele CA16038321.